The following is an entry in ClinVar:

ClinVar aggregate classification (germline): Benign (1 of 4 stars; one submission).

gnomAD v4.1: 3,762 of 1,591,678 alleles (0.24%); highest among the groups gnomAD compares: East Asian, 1%; 13 homozygotes.

Submission:

CeGaT Center for Human Genetics Tuebingen
Classification: Benign. Last evaluated: 2026-09-01. Review status: criteria provided, single submitter. Criteria: CeGaT Center For Human Genetics Tuebingen Variant Classification Criteria Version 2. Collection method: clinical testing. Allele origin: germline. Affected: yes. Observed: 1 variant allele.
Comment: BANK1: BP4, BP7, BS1, BS2

NM_017935.5(BANK1):c.930C>T (p.Val310=)

Gene: BANK1 (B cell scaffold protein with ankyrin repeats 1; plus strand). Cytogenetic location: 4q24.
Variant type: single nucleotide variant.
Coding change: c.930C>T on transcript NM_017935.5 (MANE Select); coding-DNA position 930, C replaced by T.
Protein change: p.Val310=; no amino-acid change (valine 310 retained).
Molecular consequence: synonymous variant.
Genome position (GRCh38, 1-based): chr4:101,895,331, C>T. VCF-style: chr4-101895331-C-T. GRCh37 (hg19) VCF-style: chr4-102816488-C-T.
Other names: c.840C>T, p.Val280= (NM_001083907.3); c.531C>T, p.Val177= (NM_001127507.3).
Identifiers: ClinVar variation 5040832 (VCV005040832.1).